The following is an entry in ClinVar:

ClinVar aggregate classification (germline): Uncertain significance. Review status: criteria provided, multiple submitters, no conflicts (2 of 4 stars). 3 submissions from 3 submitters: Uncertain significance (3). Last evaluated 2026-02-02.

Conditions:
Dilated cardiomyopathy 1JJ (CMD1JJ). Identifiers: Orphanet 154, MedGen C3808935, MONDO:0014095, OMIM 615235.
Cardiovascular phenotype. Identifiers: MedGen CN230736.

Allele frequency attached by ClinVar (database versions not stated): gnomAD 0.00009; TOPMed 0.00009; ESP Exome Variant Server 0.00015.
gnomAD v4.1: 16 of 1,613,880 alleles (0.00099%); highest among the groups gnomAD compares: African/African-American, 0.019%; no homozygotes.

Submissions (3):

Labcorp Genetics (formerly Invitae), Labcorp
Classification: Uncertain significance for Dilated cardiomyopathy 1JJ. Last evaluated: 2026-02-02. Review status: criteria provided, single submitter. Criteria: Invitae Variant Classification Sherloc (09022015). Collection method: clinical testing. Allele origin: germline.
Comment: This sequence change replaces proline, which is neutral and non-polar, with arginine, which is basic and polar, at codon 1574 of the LAMA4 protein (p.Pro1574Arg). This variant is present in population databases (rs138830179, gnomAD 0.02%). This variant has not been reported in the literature in individuals affected with LAMA4-related conditions. ClinVar contains an entry for this variant (Variation ID: 1501886). Invitae Evidence Modeling of protein sequence and biophysical properties (such as structural, functional, and spatial information, amino acid conservation, physicochemical variation, residue mobility, and thermodynamic stability) indicates that this missense variant is not expected to disrupt LAMA4 protein function with a negative predictive value of 80%. In summary, the available evidence is currently insufficient to determine the role of this variant in disease. Therefore, it has been classified as a Variant of Uncertain Significance.

GeneDx
Classification: Uncertain significance. Last evaluated: 2025-11-18. Review status: criteria provided, single submitter. Criteria: GeneDx Variant Classification Process June 2021. Collection method: clinical testing. Allele origin: germline.
Comment: Has not been previously published as pathogenic or benign to our knowledge; In silico analysis suggests that this missense variant does not alter protein structure/function

Ambry Genetics
Classification: Uncertain significance for Cardiovascular phenotype. Last evaluated: 2024-04-28. Review status: criteria provided, single submitter. Criteria: Ambry Variant Classification Scheme 2023. Collection method: clinical testing. Allele origin: germline.
Comment: The p.P1574R variant (also known as c.4721C>G), located in coding exon 33 of the LAMA4 gene, results from a C to G substitution at nucleotide position 4721. The proline at codon 1574 is replaced by arginine, an amino acid with dissimilar properties. This amino acid position is not well conserved in available vertebrate species. In addition, this alteration is predicted to be tolerated by in silico analysis. The evidence for this gene-disease relationship is limited; therefore, the clinical significance of this alteration is unclear.

NM_001105206.3(LAMA4):c.4742C>G (p.Pro1581Arg)

Gene: LAMA4 (laminin subunit alpha 4; minus strand). Cytogenetic location: 6q21.
Variant type: single nucleotide variant.
Coding change: c.4742C>G on transcript NM_001105206.3 (MANE Select); coding-DNA position 4742, C replaced by G.
Protein change: p.Pro1581Arg; replaces proline 1581 with arginine.
Molecular consequence: missense variant.
Genome position (GRCh38, 1-based): chr6:112,119,235, G>C on the plus strand (C>G on the coding strand, the complement: LAMA4 is on the minus strand). VCF-style: chr6-112119235-G-C. GRCh37 (hg19) VCF-style: chr6-112440438-G-C.
Other names: c.4721C>G, p.Pro1574Arg (NM_001105207.3, NM_002290.5); short protein forms P1574R, P1581R.
Identifiers: ClinVar variation 1501886 (VCV001501886.13), dbSNP rs138830179, ClinGen allele CA3964914.